The following is an entry in ClinVar:

NM_022041.4(GAN):c.37G>A (p.Ala13Thr)

Genes: GAN (gigaxonin; plus strand), LOC130059498 (ATAC-STARR-seq lymphoblastoid silent region 7753; plus strand). Cytogenetic location: 16q23.2.
Variant type: single nucleotide variant.
Coding change: c.37G>A on transcript NM_022041.4 (MANE Select); coding-DNA position 37, G replaced by A.
Protein change: p.Ala13Thr; replaces alanine 13 with threonine.
Molecular consequence: missense variant. On other transcripts: 5 prime UTR variant (1).
Genome position (GRCh38, 1-based): chr16:81,315,150, G>A. VCF-style: chr16-81315150-G-A. GRCh37 (hg19) VCF-style: chr16-81348755-G-A.
Other names: c.-488G>A (NM_001377486.1); short protein forms A13T.
Identifiers: ClinVar variation 2126373 (VCV002126373.4), dbSNP rs1908986160, ClinGen allele CA396854421.

ClinVar aggregate classification (germline): Uncertain significance (1 of 4 stars; one submission).

Conditions:
Giant axonal neuropathy 1 (GAN1). Also called: GIANT AXONAL NEUROPATHY 1, AUTOSOMAL RECESSIVE; GAN-Related Neurodegeneration. Identifiers: Orphanet 643, MedGen C1850386, MONDO:0009749, OMIM 256850.

gnomAD v4.1: 2 of 1,545,610 alleles (0.00013%); highest among the groups gnomAD compares: Non-Finnish European, 0.00017%; no homozygotes.

Submission:

Labcorp Genetics (formerly Invitae), Labcorp
Classification: Uncertain significance for Giant axonal neuropathy 1. Last evaluated: 2022-04-15. Review status: criteria provided, single submitter. Criteria: Invitae Variant Classification Sherloc (09022015). Collection method: clinical testing. Allele origin: germline.
Comment: This sequence change replaces alanine, which is neutral and non-polar, with threonine, which is neutral and polar, at codon 13 of the GAN protein (p.Ala13Thr). This variant is not present in population databases (gnomAD no frequency). In summary, the available evidence is currently insufficient to determine the role of this variant in disease. Therefore, it has been classified as a Variant of Uncertain Significance. Algorithms developed to predict the effect of missense changes on protein structure and function (SIFT, PolyPhen-2, Align-GVGD) all suggest that this variant is likely to be tolerated. This variant has not been reported in the literature in individuals affected with GAN-related conditions.